The following is an entry in ClinVar:

ClinVar aggregate classification (germline): Uncertain significance (1 of 4 stars; one submission).

Conditions:
PLXNA3-related disorder. Also called: PLXNA3-related condition.

Submission:

PreventionGenetics, part of Exact Sciences
Classification: Uncertain significance for PLXNA3-related condition. Last evaluated: 2025-08-19. Review status: criteria provided, single submitter. Criteria: ACMG Guidelines, 2015. Collection method: clinical testing. Allele origin: germline.
Comment: The PLXNA3 c.355A>G variant is predicted to result in the amino acid substitution p.Ile119Val. To our knowledge, this variant has not been reported in the literature or in a large population database (gnomAD), indicating this variant is rare. At this time, the clinical significance of this variant is uncertain due to the absence of conclusive functional and genetic evidence.

NM_017514.5(PLXNA3):c.355A>G (p.Ile119Val)

Gene: PLXNA3 (plexin A3; plus strand). Cytogenetic location: Xq28.
Variant type: single nucleotide variant.
Coding change: c.355A>G on transcript NM_017514.5 (MANE Select); coding-DNA position 355, A replaced by G.
Protein change: p.Ile119Val; replaces isoleucine 119 with valine.
Molecular consequence: missense variant.
Genome position (GRCh38, 1-based): chrX:154,460,538, A>G. VCF-style: chrX-154460538-A-G. GRCh37 (hg19) VCF-style: chrX-153688878-A-G.
Other names: short protein forms I119V.
Identifiers: ClinVar variation 4992060 (VCV004992060.1).